The following is an entry in ClinVar:

NM_002907.4(RECQL):c.782T>G (p.Val261Gly)

Gene: RECQL (RecQ like helicase; minus strand). Cytogenetic location: 12p12.1.
Variant type: single nucleotide variant.
Coding change: c.782T>G on transcript NM_002907.4 (MANE Select); coding-DNA position 782, T replaced by G.
Protein change: p.Val261Gly; replaces valine 261 with glycine.
Molecular consequence: missense variant.
Genome position (GRCh38, 1-based): chr12:21,477,888, A>C on the plus strand (T>G on the coding strand, the complement: RECQL is on the minus strand). VCF-style: chr12-21477888-A-C. GRCh37 (hg19) VCF-style: chr12-21630822-A-C.
Other names: c.782T>G, p.Val261Gly (NM_032941.3); short protein forms V261G.
Identifiers: ClinVar variation 2450956 (VCV002450956.3), dbSNP rs909476358, ClinGen allele CA233571104.
Genomic context (GRCh38, chr12:21,477,888, plus strand): 5'-AAAGAAGCTGTAAAAGTAAAACACTTTTCAATGCACAAAATTTTCTGAGCATCCGTCAAA[A>C]CGTGATTTGTTGCAGTTGCAGTCAGCCCAATTAGTGATGCGTTAGGGAACTGCCGCTTTA-3'
Protein context (NP_002898.2, residues 251-271): IGLTATATNH[Val261Gly]LTDAQKILCI

ClinVar aggregate classification (germline): Uncertain significance (1 of 4 stars; one submission).

Submission:

Ambry Genetics
Classification: Uncertain significance. Last evaluated: 2024-12-14. Review status: criteria provided, single submitter. Criteria: Ambry Variant Classification Scheme 2023. Collection method: clinical testing. Allele origin: germline.
Comment: The p.V261G variant (also known as c.782T>G), located in coding exon 6 of the RECQL gene, results from a T to G substitution at nucleotide position 782. The valine at codon 261 is replaced by glycine, an amino acid with dissimilar properties. This amino acid position is conserved. In addition, this alteration is predicted to be deleterious by in silico analysis. Since supporting evidence is limited at this time, the clinical significance of this alteration remains unclear.